The following is an entry in ClinVar:

ClinVar aggregate classification (germline): Uncertain significance (1 of 4 stars; one submission).

Conditions:
Tumor predisposition syndrome 3 (TPDS3). Also called: Melanoma, cutaneous malignant, susceptibility to, 10; Glioma susceptibility 9; LONG TELOMERE SYNDROME, POT1-RELATED; POT1 Tumor Predisposition. Identifiers: Orphanet 618, MedGen C4014476, MONDO:0014368, OMIM 615848.

Submission:

Labcorp Genetics (formerly Invitae), Labcorp
Classification: Uncertain significance for Tumor predisposition syndrome 3. Last evaluated: 2025-02-18. Review status: criteria provided, single submitter. Criteria: Invitae Variant Classification Sherloc (09022015). Collection method: clinical testing. Allele origin: germline.
Comment: This sequence change replaces leucine, which is neutral and non-polar, with proline, which is neutral and non-polar, at codon 515 of the POT1 protein (p.Leu515Pro). This variant is not present in population databases (gnomAD no frequency). This variant has not been reported in the literature in individuals affected with POT1-related conditions. Invitae Evidence Modeling of protein sequence and biophysical properties (such as structural, functional, and spatial information, amino acid conservation, physicochemical variation, residue mobility, and thermodynamic stability) indicates that this missense variant is not expected to disrupt POT1 protein function with a negative predictive value of 80%. In summary, the available evidence is currently insufficient to determine the role of this variant in disease. Therefore, it has been classified as a Variant of Uncertain Significance.

NM_015450.3(POT1):c.1544T>C (p.Leu515Pro)

Gene: POT1 (protection of telomeres 1; minus strand). Cytogenetic location: 7q31.33.
Variant type: single nucleotide variant.
Coding change: c.1544T>C on transcript NM_015450.3 (MANE Select); coding-DNA position 1544, T replaced by C.
Protein change: p.Leu515Pro; replaces leucine 515 with proline.
Molecular consequence: missense variant. On other transcripts: non-coding transcript variant (2).
Genome position (GRCh38, 1-based): chr7:124,829,304, A>G on the plus strand (T>C on the coding strand, the complement: POT1 is on the minus strand). VCF-style: chr7-124829304-A-G. GRCh37 (hg19) VCF-style: chr7-124469358-A-G.
Other names: c.1151T>C, p.Leu384Pro (NM_001042594.2); short protein forms L384P, L515P.
Identifiers: ClinVar variation 4701441 (VCV004701441.1).